The following is an entry in ClinVar:

NM_015021.3(ZNF292):c.879-5_879-4dup

Gene: ZNF292 (zinc finger protein 292; plus strand). Cytogenetic location: 6q14.3.
Variant type: Duplication.
Coding change: c.879-5_879-4dup on transcript NM_015021.3 (MANE Select); 5 bases into the intron before coding-DNA position 879 through 4 bases into the intron before coding-DNA position 879, 2 bases duplicated (TT; older notation c.879-5_879-4dupTT).
Molecular consequence: intron variant.
Genome position (GRCh38, 1-based): chr6:87,245,498-87,245,499, TT duplicated; duplicating any 2 consecutive bases within chr6:87,245,489-87,245,499 gives the same sequence; the c. name uses the placement nearest the transcript's 3' end. VCF-style (leftmost placement, unchanged base first): chr6-87245488-C-CTT. GRCh37 (hg19) VCF-style: chr6-87955206-C-CTT.
Other names: c.459-5_459-4dup (NM_001351444.2).
Identifiers: ClinVar variation 3034942 (VCV003034942.2), dbSNP rs747572624, ClinGen allele CA568690108.

ClinVar aggregate classification (germline): Likely benign (0 of 4 stars; one submission).

Conditions:
ZNF292-related disorder. Also called: ZNF292-related condition.

Submission:

PreventionGenetics, part of Exact Sciences
Classification: Likely benign for ZNF292-related condition. Last evaluated: 2019-09-05. Review status: no assertion criteria provided. Collection method: clinical testing. Allele origin: germline.
Comment: This variant is classified as likely benign based on ACMG/AMP sequence variant interpretation guidelines (Richards et al. 2015 PMID: 25741868, with internal and published modifications).